The following is an entry in ClinVar:

NM_206933.4(USH2A):c.6379_6380delinsC (p.Gly2127fs)

Gene: USH2A (usherin; minus strand). Cytogenetic location: 1q41.
Variant type: Indel.
Coding change: c.6379_6380delinsC on transcript NM_206933.4 (MANE Select); coding-DNA positions 6379 to 6380, GG replaced by C.
Protein change: p.Gly2127fs; shifts the reading frame from glycine 2127.
Molecular consequence: frameshift variant.
Genome position (GRCh38, 1-based): chr1:216,000,508-216,000,509, CC replaced by G on the plus strand (GG replaced by C on the coding strand, the reverse complement: USH2A is on the minus strand). VCF-style: chr1-216000508-CC-G. GRCh37 (hg19) VCF-style: chr1-216173850-CC-G.
Other names: short protein forms G2127fs.
Identifiers: ClinVar variation 3370474 (VCV003370474.1).

ClinVar aggregate classification (germline): Pathogenic (0 of 4 stars; one submission).

Conditions:
Usher syndrome. Also called: Usher Syndromes; Usher's syndrome. Identifiers: Orphanet 886, MedGen CN469326, MeSH D052245, MONDO:0019501. Disease mechanism: loss of function.

Submission:

The Key Laboratory for Human Disease Gene Study of Sichuan Province, Sichuan Academy of Medical Sciences & Sichuan Provincial People’s Hospital
Classification: Pathogenic for Usher syndrome. Last evaluated: 2024-10-23. Review status: no assertion criteria provided. Collection method: clinical testing. Allele origin: germline. Inheritance: Autosomal recessive inheritance. Affected: yes.
Comment: The novel frameshift mutation (c.6379_6380delinsC (p.G2127Pfs*25)) causes the premature termination of translation, resulting in a shorter protein isoform with the deletion of 27 fibronectin type III domains and the PDZ-binding domain. Because approximately two-thirds of the protein is absent in the mutant, the truncating protein could completely lose its function.

Literature cited by the submitters: DOI 10.1007/s00439-022-02448-7.